The following is an entry in ClinVar:

ClinVar aggregate classification (germline): Likely benign. Review status: criteria provided, multiple submitters, no conflicts (2 of 4 stars). 2 submissions from 2 submitters: Likely benign (2). Last evaluated 2026-02-02.

Conditions:
RYR1-related disorder. Also called: RYR1-related condition; RYR1-related disorders. Identifiers: MedGen CN239331.
Malignant hyperthermia, susceptibility to, 1 (MHS1). Also called: Anesthesia related hyperthermia; Malignant hyperpyrexia; Fulminating hyperpyrexia; Pharmacogenic myopathy; RYR1-Related Malignant Hyperthermia Susceptibility; Malignant hyperthermia suceptibility 1. Identifiers: Orphanet 423, MedGen C2930980, MONDO:0007783, OMIM 145600.

Allele frequency attached by ClinVar (database versions not stated): TOPMed below 0.00001; ExAC 0.00002; gnomAD exomes 0.00002 and 0.00003.
gnomAD v4.1: 28 of 1,613,752 alleles (0.0017%); highest among the groups gnomAD compares: South Asian, 0.025%; no homozygotes.

Submissions (2):

Labcorp Genetics (formerly Invitae), Labcorp
Classification: Likely benign for RYR1-related disorder. Last evaluated: 2026-02-02. Review status: criteria provided, single submitter. Criteria: Invitae Variant Classification Sherloc (09022015). Collection method: clinical testing. Allele origin: germline.

All of Us Research Program, National Institutes of Health
Classification: Likely benign for Malignant hyperthermia, susceptibility to, 1. Last evaluated: 2024-02-22. Review status: criteria provided, single submitter. Criteria: ACMG Guidelines, 2015. Collection method: clinical testing. Allele origin: germline. Inheritance: Autosomal dominant inheritance. Observed: 1 variant allele, 1 heterozygote.
Comment: This study involves interpretation of variants in research participants for the purpose of population health screening. Participant phenotype was not available at the time of variant classification. Additional details can be found in publication PMID: 35346344, PMCID: PMC8962531

NM_000540.3(RYR1):c.3882C>T (p.Val1294=)

Gene: RYR1 (ryanodine receptor 1; plus strand). Cytogenetic location: 19q13.2.
Variant type: single nucleotide variant.
Coding change: c.3882C>T on transcript NM_000540.3 (MANE Select); coding-DNA position 3882, C replaced by T.
Protein change: p.Val1294=; no amino-acid change (valine 1294 retained).
Molecular consequence: synonymous variant.
Genome position (GRCh38, 1-based): chr19:38,473,493, C>T. VCF-style: chr19-38473493-C-T. GRCh37 (hg19) VCF-style: chr19-38964133-C-T.
Other names: c.3882C>T, p.Val1294= (NM_001042723.2).
Identifiers: ClinVar variation 1116516 (VCV001116516.10), dbSNP rs773759107, ClinGen allele CA065309.